The following is an entry in ClinVar:

ClinVar aggregate classification (germline): Uncertain significance (0 of 4 stars; one submission).

Conditions:
CNTN6-related disorder. Also called: CNTN6-related condition.

Allele frequency attached by ClinVar (database versions not stated): gnomAD exomes below 0.00001; TOPMed below 0.00001.
gnomAD v4.1: 3 of 1,613,774 alleles (0.00019%); highest among the groups gnomAD compares: Middle Eastern, 0.016%; no homozygotes.

Submission:

PreventionGenetics, part of Exact Sciences
Classification: Uncertain significance for CNTN6-related condition. Last evaluated: 2024-02-11. Review status: no assertion criteria provided. Collection method: clinical testing. Allele origin: germline.
Comment: The CNTN6 c.643G>C variant is predicted to result in the amino acid substitution p.Val215Leu. To our knowledge, this variant has not been reported in the literature or in a large population database, indicating this variant is rare. At this time, the clinical significance of this variant is uncertain due to the absence of conclusive functional and genetic evidence.

NM_001289080.2(CNTN6):c.643G>C (p.Val215Leu)

Gene: CNTN6 (contactin 6; plus strand). Cytogenetic location: 3p26.3.
Variant type: single nucleotide variant.
Coding change: c.643G>C on transcript NM_001289080.2 (MANE Select); coding-DNA position 643, G replaced by C.
Protein change: p.Val215Leu; replaces valine 215 with leucine.
Molecular consequence: missense variant. On other transcripts: 5 prime UTR variant (3), intron variant (2).
Genome position (GRCh38, 1-based): chr3:1,295,789, G>C. VCF-style: chr3-1295789-G-C. GRCh37 (hg19) VCF-style: chr3-1337473-G-C.
Other names: c.427G>C, p.Val143Leu (NM_001289081.2); c.643G>C, p.Val215Leu (NM_001349350.2, NM_001349351.2, NM_001349352.2 and 6 more transcripts); c.-295G>C (NM_001349359.2); c.-475G>C (NM_001349361.2); c.-377G>C (NM_001349362.2); c.-362+17281G>C (NM_001349360.2); c.454+17281G>C (NM_001349357.2); short protein forms V143L, V215L.
Identifiers: ClinVar variation 3058045 (VCV003058045.2), dbSNP rs1696126654, ClinGen allele CA351423213.